The following is an entry in ClinVar:

NM_000293.3(PHKB):c.3164A>G (p.Tyr1055Cys)

Gene: PHKB (phosphorylase kinase regulatory subunit beta; plus strand). Cytogenetic location: 16q12.1.
Variant type: single nucleotide variant.
Coding change: c.3164A>G on transcript NM_000293.3 (MANE Select); coding-DNA position 3164, A replaced by G.
Protein change: p.Tyr1055Cys; replaces tyrosine 1055 with cysteine.
Molecular consequence: missense variant.
Genome position (GRCh38, 1-based): chr16:47,699,248, A>G. VCF-style: chr16-47699248-A-G. GRCh37 (hg19) VCF-style: chr16-47733159-A-G.
Other names: c.3143A>G, p.Tyr1048Cys (NM_001031835.3); c.3164A>G, p.Tyr1055Cys (NM_001363837.1); short protein forms Y1048C, Y1055C.
Identifiers: ClinVar variation 2069644 (VCV002069644.1), dbSNP rs889928704, ClinGen allele CA280740032.

ClinVar aggregate classification (germline): Uncertain significance (1 of 4 stars; one submission).

Conditions:
Glycogen storage disease IXb (GSD9B). Also called: PHOSPHORYLASE KINASE DEFICIENCY OF LIVER AND MUSCLE, AUTOSOMAL RECESSIVE; GLYCOGENOSIS OF LIVER AND MUSCLE, AUTOSOMAL RECESSIVE; GSD IXb. Identifiers: Orphanet 79240, MedGen C0543514, MONDO:0009868, OMIM 261750.

Allele frequency attached by ClinVar (database versions not stated): gnomAD exomes below 0.00001.
gnomAD v4.1: 3 of 1,613,954 alleles (0.00019%); highest among the groups gnomAD compares: Admixed American, 0.0033%; no homozygotes.

Submission:

Labcorp Genetics (formerly Invitae), Labcorp
Classification: Uncertain significance for Glycogen storage disease IXb. Last evaluated: 2022-08-10. Review status: criteria provided, single submitter. Criteria: Invitae Variant Classification Sherloc (09022015). Collection method: clinical testing. Allele origin: germline.
Comment: This sequence change replaces tyrosine, which is neutral and polar, with cysteine, which is neutral and slightly polar, at codon 1055 of the PHKB protein (p.Tyr1055Cys). This variant is present in population databases (no rsID available, gnomAD 0.003%). This variant has not been reported in the literature in individuals affected with PHKB-related conditions. Algorithms developed to predict the effect of missense changes on protein structure and function are either unavailable or do not agree on the potential impact of this missense change (SIFT: "Deleterious"; PolyPhen-2: "Probably Damaging"; Align-GVGD: "Class C15"). In summary, the available evidence is currently insufficient to determine the role of this variant in disease. Therefore, it has been classified as a Variant of Uncertain Significance.